The following is an entry in ClinVar:

NM_000428.3(LTBP2):c.4699A>G (p.Met1567Val)

Gene: LTBP2 (latent transforming growth factor beta binding protein 2; minus strand). Cytogenetic location: 14q24.3.
Variant type: single nucleotide variant.
Coding change: c.4699A>G on transcript NM_000428.3 (MANE Select); coding-DNA position 4699, A replaced by G.
Protein change: p.Met1567Val; replaces methionine 1567 with valine.
Molecular consequence: missense variant.
Genome position (GRCh38, 1-based): chr14:74,503,490, T>C on the plus strand (A>G on the coding strand, the complement: LTBP2 is on the minus strand). VCF-style: chr14-74503490-T-C. GRCh37 (hg19) VCF-style: chr14-74970193-T-C.
Other names: short protein forms M1567V.
Identifiers: ClinVar variation 132837 (VCV000132837.8), dbSNP rs137854864, ClinGen allele CA156258.

ClinVar aggregate classification (germline): Uncertain significance. Review status: criteria provided, multiple submitters, no conflicts (2 of 4 stars). 4 submissions from 4 submitters: Uncertain significance (3). 1 of the submissions does not count toward it. Last evaluated 2025-10-21.

Conditions:
Glaucoma 3, primary infantile, B. Also called: GLC3B; GLAUCOMA, PRIMARY CONGENITAL, TYPE B; GLC3 type B; Primary congenital glaucoma type 3B; Glaucoma primary congenita type 3B. Identifiers: Orphanet 98976, MedGen C1832977, MONDO:0010968, OMIM 600975.
Weill-Marchesani syndrome 3 (WMS3). Also called: Weill-Marchesani syndrome 3, recessive; LTBP2-Related Weill-Marchesani Syndrome. Identifiers: Orphanet 3449, MedGen C3553785, MONDO:0013899, OMIM 614819.
Glaucoma 3, primary congenital, D. Identifiers: Orphanet 98976, MedGen C2751316, MONDO:0013122, OMIM 613086.
Microspherophakia and/or megalocornea, with ectopia lentis and with or without secondary glaucoma (MSPKA). Identifiers: Orphanet 238763, MedGen C3538951, MONDO:0009633, OMIM 251750.
Exfoliation syndrome (XFS). Also called: PSEUDOEXFOLIATION OF THE LENS; PSEUDOEXFOLIATION SYNDROME. Identifiers: MedGen C0206368, MONDO:0008327, OMIM 177650.

Allele frequency attached by ClinVar (database versions not stated): ESP Exome Variant Server 0.00008; gnomAD exomes 0.00008 and 0.00007; TOPMed 0.00008; 1000 Genomes Project 30x 0.00016; ExAC 0.00005; gnomAD 0.00006 and 0.00007; 1000 Genomes Project 0.00020.

Submissions (4):

Labcorp Genetics (formerly Invitae), Labcorp
Classification: Uncertain significance. Last evaluated: 2025-10-21. Review status: criteria provided, single submitter. Criteria: Invitae Variant Classification Sherloc (09022015). Collection method: clinical testing. Allele origin: germline.
Comment: This sequence change replaces methionine, which is neutral and non-polar, with valine, which is neutral and non-polar, at codon 1567 of the LTBP2 protein (p.Met1567Val). This variant is present in population databases (rs137854864, gnomAD 0.03%). This missense change has been observed in individual(s) with pseudoexfoliation glaucoma (PMID: 23401661). ClinVar contains an entry for this variant (Variation ID: 132837). An algorithm developed to predict the effect of missense changes on protein structure and function outputs the following: PolyPhen-2: "Benign". The valine amino acid residue is found in multiple mammalian species, which suggests that this missense change does not adversely affect protein function. In summary, the available evidence is currently insufficient to determine the role of this variant in disease. Therefore, it has been classified as a Variant of Uncertain Significance.

Blueprint Genetics
Classification: Uncertain significance. Last evaluated: 2024-08-05. Review status: criteria provided, single submitter. Criteria: ACMG Guidelines, 2015. Collection method: clinical testing. Allele origin: germline.

Department of Pathology and Laboratory Medicine, Sinai Health System
Classification: Uncertain significance for Microspherophakia and/or megalocornea, with ectopia lentis and with or without secondary glaucoma; Glaucoma 3, primary infantile, B; Glaucoma 3, primary congenital, D; Weill-Marchesani syndrome 3. Last evaluated: 2023-04-24. Review status: criteria provided, single submitter. Criteria: ACMG Guidelines, 2015. Collection method: research. Allele origin: germline.

Elahi Laboratory, University of Tehran
Classification: Likely pathogenic for Pseudoexfoliation glaucoma. Review status: no assertion criteria provided. Collection method: not provided. Allele origin: unknown. Not counted in ClinVar's aggregate classification.
ClinVar note: Converted during submission from probable-pathogenic to Likely pathogenic.

Literature cited by the submitters: PubMed 23401661 (cited by Labcorp Genetics (formerly Invitae), Labcorp).